The following is an entry in ClinVar:

NM_001077653.2(TBX20):c.278C>T (p.Pro93Leu)

Gene: TBX20 (T-box transcription factor 20; minus strand). Cytogenetic location: 7p14.2.
Variant type: single nucleotide variant.
Coding change: c.278C>T on transcript NM_001077653.2 (MANE Select); coding-DNA position 278, C replaced by T.
Protein change: p.Pro93Leu; replaces proline 93 with leucine.
Molecular consequence: missense variant.
Genome position (GRCh38, 1-based): chr7:35,250,053, G>A on the plus strand (C>T on the coding strand, the complement: TBX20 is on the minus strand). VCF-style: chr7-35250053-G-A. GRCh37 (hg19) VCF-style: chr7-35289665-G-A.
Other names: c.278C>T, p.Pro93Leu (NM_001166220.1); short protein forms P93L.
Identifiers: ClinVar variation 2450710 (VCV002450710.5), dbSNP rs1267512144, ClinGen allele CA367265112.

ClinVar aggregate classification (germline): Uncertain significance. Review status: criteria provided, multiple submitters, no conflicts (2 of 4 stars). 2 submissions from 2 submitters: Uncertain significance (2). Last evaluated 2025-10-08.

Conditions:
Cardiovascular phenotype. Identifiers: MedGen CN230736.

Allele frequency attached by ClinVar (database versions not stated): gnomAD exomes 0.00001; TOPMed 0.00001.
gnomAD v4.1: 12 of 1,613,942 alleles (0.00074%); highest among the groups gnomAD compares: Non-Finnish European, 0.001%; no homozygotes.

Submissions (2):

Labcorp Genetics (formerly Invitae), Labcorp
Classification: Uncertain significance. Last evaluated: 2025-10-08. Review status: criteria provided, single submitter. Criteria: Invitae Variant Classification Sherloc (09022015). Collection method: clinical testing. Allele origin: germline.
Comment: This sequence change replaces proline, which is neutral and non-polar, with leucine, which is neutral and non-polar, at codon 93 of the TBX20 protein (p.Pro93Leu). This variant is not present in population databases (gnomAD no frequency). This variant has not been reported in the literature in individuals affected with TBX20-related conditions. ClinVar contains an entry for this variant (Variation ID: 2450710). Invitae Evidence Modeling of protein sequence and biophysical properties (such as structural, functional, and spatial information, amino acid conservation, physicochemical variation, residue mobility, and thermodynamic stability) indicates that this missense variant is not expected to disrupt TBX20 protein function with a negative predictive value of 80%. In summary, the available evidence is currently insufficient to determine the role of this variant in disease. Therefore, it has been classified as a Variant of Uncertain Significance.

Ambry Genetics
Classification: Uncertain significance for Cardiovascular phenotype. Last evaluated: 2022-11-15. Review status: criteria provided, single submitter. Criteria: Ambry Variant Classification Scheme 2023. Collection method: clinical testing. Allele origin: germline.
Comment: The p.P93L variant (also known as c.278C>T), located in coding exon 2 of the TBX20 gene, results from a C to T substitution at nucleotide position 278. The proline at codon 93 is replaced by leucine, an amino acid with similar properties. This amino acid position is conserved. In addition, the in silico prediction for this alteration is inconclusive. Since supporting evidence is limited at this time, the clinical significance of this alteration remains unclear.